The following is an entry in ClinVar:

ClinVar aggregate classification (germline): Likely benign. Review status: criteria provided, multiple submitters, no conflicts (2 of 4 stars). 5 submissions from 5 submitters: Likely benign (4). 1 of the submissions does not count toward it. Last evaluated 2025-10-25.

Conditions:
DNAI1-related disorder. Also called: DNAI1-related condition.
Primary ciliary dyskinesia. Also called: Ciliary dyskinesia. Identifiers: Orphanet 244, MedGen C0008780, MONDO:0016575, HP:0012265.

Allele frequency attached by ClinVar (database versions not stated): TOPMed 0.00006; gnomAD exomes 0.00008; 1000 Genomes Project 0.00040; 1000 Genomes Project 30x 0.00047.
gnomAD v4.1: 123 of 1,614,244 alleles (0.0076%); highest among the groups gnomAD compares: Middle Eastern, 0.016%; 2 homozygotes.

Submissions (5):

Labcorp Genetics (formerly Invitae), Labcorp
Classification: Likely benign for Primary ciliary dyskinesia. Last evaluated: 2025-10-25. Review status: criteria provided, single submitter. Criteria: Invitae Variant Classification Sherloc (09022015). Collection method: clinical testing. Allele origin: germline.

Blueprint Genetics
Classification: Likely benign. Last evaluated: 2024-09-03. Review status: criteria provided, single submitter. Criteria: ACMG Guidelines, 2015. Collection method: clinical testing. Allele origin: germline.

Ambry Genetics
Classification: Likely benign for Primary ciliary dyskinesia. Last evaluated: 2015-10-05. Review status: criteria provided, single submitter. Criteria: Ambry Variant Classification Scheme 2023. Collection method: clinical testing. Allele origin: germline.

Laboratory for Molecular Medicine, Mass General Brigham Personalized Medicine
Classification: Likely benign. Last evaluated: 2013-10-30. Review status: criteria provided, single submitter. Criteria: LMM Criteria. Collection method: clinical testing. Allele origin: germline. Observed: 1 variant allele.
Comment: Asp537Asp in exon 17 of DNAI1: This variant is not expected to have clinical sig nificance because it does not alter an amino acid residue and is not located wit hin the splice consensus sequence. This variant has been identified in 3/1324 (0 .2%) chromosomes by the NHGRI ClinSeq Project (dbSNP rs199502666).

PreventionGenetics, part of Exact Sciences
Classification: Likely benign for DNAI1-related condition. Last evaluated: 2022-04-21. Review status: no assertion criteria provided. Collection method: clinical testing. Allele origin: germline. Not counted in ClinVar's aggregate classification.
Comment: This variant is classified as likely benign based on ACMG/AMP sequence variant interpretation guidelines (Richards et al. 2015 PMID: 25741868, with internal and published modifications).

NM_012144.4(DNAI1):c.1611C>T (p.Asp537=)

Gene: DNAI1 (dynein axonemal intermediate chain 1; plus strand). Cytogenetic location: 9p13.3.
Variant type: single nucleotide variant.
Coding change: c.1611C>T on transcript NM_012144.4 (MANE Select); coding-DNA position 1611, C replaced by T.
Protein change: p.Asp537=; no amino-acid change (aspartic acid 537 retained).
Molecular consequence: synonymous variant.
Genome position (GRCh38, 1-based): chr9:34,514,435, C>T. VCF-style: chr9-34514435-C-T. GRCh37 (hg19) VCF-style: chr9-34514433-C-T.
Other names: c.1623C>T, p.Asp541= (NM_001281428.2); c.1611C>T (NM_012144.3).
Identifiers: ClinVar variation 179328 (VCV000179328.18), dbSNP rs199502666, ClinGen allele CA184205.
Genomic context (GRCh38, chr9:34,514,435, plus strand): 5'-CCGTTCCCTCCCCGACCAGTGCTCTAAATCCTACTCCAGCCAATTCCTCGACACCTATGA[C>T]GCCCACAACATGTCAGTGGACACTGTGTCCTGGAACCCATACCACACCAAGGTCTTCATG-3'
Protein context (NP_036276.1, residues 527-547): SYSSQFLDTY[Asp537=]AHNMSVDTVS